The following is an entry in ClinVar:

NM_052867.4(NALCN):c.2738T>G (p.Met913Arg)

Gene: NALCN (sodium leak channel, non-selective; minus strand). Cytogenetic location: 13q33.1.
Variant type: single nucleotide variant.
Coding change: c.2738T>G on transcript NM_052867.4 (MANE Select); coding-DNA position 2738, T replaced by G.
Protein change: p.Met913Arg; replaces methionine 913 with arginine.
Molecular consequence: missense variant.
Genome position (GRCh38, 1-based): chr13:101,104,549, A>C on the plus strand (T>G on the coding strand, the complement: NALCN is on the minus strand). VCF-style: chr13-101104549-A-C. GRCh37 (hg19) VCF-style: chr13-101756900-A-C.
Other names: c.2825T>G, p.Met942Arg (NM_001350748.2); c.2738T>G, p.Met913Arg (NM_001350749.2); c.2651T>G, p.Met884Arg (NM_001350750.2, NM_001350751.2); short protein forms M884R, M913R, M942R.
Identifiers: ClinVar variation 1313550 (VCV001313550.2), dbSNP rs373808065, ClinGen allele CA7035607.
Genomic context (GRCh38, chr13:101,104,549, plus strand): 5'-CTCCTAGTTGTAAGCTGAGATTTTGCAGCGGTAAGCGGTACCTGCAAAGTAGGTGCATGC[A>C]TGACTCTTCGAAACGGGGACTCAAACATCATGGAAATGCAAGAGCAGATGGTTACGATGA-3'
Protein context (NP_443099.1, residues 903-923): MMFESPFRRV[Met913Arg]HAPTLQIAEY

ClinVar aggregate classification (germline): Uncertain significance (1 of 4 stars; one submission).

Allele frequency attached by ClinVar (database versions not stated): ExAC 0.00001; gnomAD exomes 0.00001; gnomAD 0.00003 and 0.00004; TOPMed 0.00003; ESP Exome Variant Server 0.00008.
gnomAD v4.1: 8 of 1,613,958 alleles (0.0005%); highest among the groups gnomAD compares: African/African-American, 0.011%; no homozygotes.

Submission:

GeneDx
Classification: Uncertain significance. Last evaluated: 2020-10-21. Review status: criteria provided, single submitter. Criteria: GeneDx Variant Classification Process June 2021. Collection method: clinical testing. Allele origin: germline. Affected: yes.
Comment: In silico analysis supports that this missense variant has a deleterious effect on protein structure/function; Has not been previously published as pathogenic or benign to our knowledge